The following is an entry in ClinVar:

ClinVar aggregate classification (germline): Uncertain significance (1 of 4 stars; one submission).

Conditions:
Hyperekplexia 2 (HKPX2). Identifiers: Orphanet 3197, MedGen C3553291, MONDO:0013828, OMIM 614619.

Allele frequency attached by ClinVar (database versions not stated): gnomAD 0.00001; TOPMed 0.00002.

Submission:

Labcorp Genetics (formerly Invitae), Labcorp
Classification: Uncertain significance for Hyperekplexia 2. Last evaluated: 2023-08-30. Review status: criteria provided, single submitter. Criteria: Invitae Variant Classification Sherloc (09022015). Collection method: clinical testing. Allele origin: germline.
Comment: ClinVar contains an entry for this variant (Variation ID: 2083633). In summary, the available evidence is currently insufficient to determine the role of this variant in disease. Therefore, it has been classified as a Variant of Uncertain Significance. Algorithms developed to predict the effect of sequence changes on RNA splicing suggest that this variant may disrupt the consensus splice site. This variant has not been reported in the literature in individuals affected with GLRB-related conditions. This variant is present in population databases (no rsID available, gnomAD 0.0009%). This sequence change falls in intron 9 of the GLRB gene. It does not directly change the encoded amino acid sequence of the GLRB protein.

NM_000824.5(GLRB):c.1198-14A>G

Gene: GLRB (glycine receptor beta; plus strand). Cytogenetic location: 4q32.1.
Variant type: single nucleotide variant.
Coding change: c.1198-14A>G on transcript NM_000824.5 (MANE Select); 14 bases into the intron before coding-DNA position 1198, A replaced by G.
Molecular consequence: intron variant.
Genome position (GRCh38, 1-based): chr4:157,170,418, A>G. VCF-style: chr4-157170418-A-G. GRCh37 (hg19) VCF-style: chr4-158091570-A-G.
Other names: c.905-14A>G (NM_001166061.2); c.1198-14A>G (NM_001166060.2).
Identifiers: ClinVar variation 2083633 (VCV002083633.2), dbSNP rs1461143263, ClinGen allele CA555974101.